The following is an entry in ClinVar:

NM_000094.4(COL7A1):c.1537G>C (p.Asp513His)

Gene: COL7A1 (collagen type VII alpha 1 chain; minus strand). Cytogenetic location: 3p21.31.
Variant type: single nucleotide variant.
Coding change: c.1537G>C on transcript NM_000094.4 (MANE Select); coding-DNA position 1537, G replaced by C.
Protein change: p.Asp513His; replaces aspartic acid 513 with histidine.
Molecular consequence: missense variant.
Genome position (GRCh38, 1-based): chr3:48,591,563, C>G on the plus strand (G>C on the coding strand, the complement: COL7A1 is on the minus strand). VCF-style: chr3-48591563-C-G. GRCh37 (hg19) VCF-style: chr3-48628996-C-G.
Other names: short protein forms D513H.
Identifiers: ClinVar variation 1463586 (VCV001463586.6), dbSNP rs2045701662, ClinGen allele CA352733332.
Genomic context (GRCh38, chr3:48,591,563, plus strand): 5'-CAGGGACTGGGCTCCAGGACACTCGCACCCGCTGCCCGGGCAGCTCGGTGGCTTGCAGGT[C>G]TGTTACAGGGCTCACAGGCAGCTCTGGTCCTGTTGGAGAGCACAGCATAGAGGCAGCCTG-3'
Protein context (NP_000085.1, residues 503-523): GPELPVSPVT[Asp513His]LQATELPGQR

ClinVar aggregate classification (germline): Uncertain significance (1 of 4 stars; one submission).

Allele frequency attached by ClinVar (database versions not stated): gnomAD exomes below 0.00001; TOPMed below 0.00001.

Submission:

Labcorp Genetics (formerly Invitae), Labcorp
Classification: Uncertain significance. Last evaluated: 2025-02-07. Review status: criteria provided, single submitter. Criteria: Invitae Variant Classification Sherloc (09022015). Collection method: clinical testing. Allele origin: germline.
Comment: This sequence change replaces aspartic acid, which is acidic and polar, with histidine, which is basic and polar, at codon 513 of the COL7A1 protein (p.Asp513His). This variant is not present in population databases (gnomAD no frequency). This variant has not been reported in the literature in individuals affected with COL7A1-related conditions. ClinVar contains an entry for this variant (Variation ID: 1463586). Invitae Evidence Modeling of protein sequence and biophysical properties (such as structural, functional, and spatial information, amino acid conservation, physicochemical variation, residue mobility, and thermodynamic stability) indicates that this missense variant is not expected to disrupt COL7A1 protein function with a negative predictive value of 95%. In summary, the available evidence is currently insufficient to determine the role of this variant in disease. Therefore, it has been classified as a Variant of Uncertain Significance.